The following is an entry in ClinVar:

ClinVar aggregate classification (germline): Benign/Likely benign. Review status: criteria provided, multiple submitters, no conflicts (2 of 4 stars). 8 submissions from 8 submitters: Benign (1); Likely benign (7). Last evaluated 2026-01-28.

Conditions:
Hereditary cancer-predisposing syndrome. Also called: Tumor predisposition; Hereditary Cancer Syndrome; Hereditary neoplastic syndrome; Neoplastic Syndromes, Hereditary. Identifiers: Orphanet 140162, MedGen C0027672, MeSH D009386, MONDO:0015356.
Familial adenomatous polyposis 2. Also called: FAP type 2; MUTYH-associated polyposis; COLORECTAL ADENOMATOUS POLYPOSIS, AUTOSOMAL RECESSIVE; MUTYH Polyposis; MUTYH-related attenuated familial adenomatous polyposis; Adenomas, multiple colorectal. Identifiers: Orphanet 220460, Orphanet 247798, MedGen C3272841, MONDO:0012041, OMIM 608456.

Allele frequency attached by ClinVar (database versions not stated): ExAC 0.00008; gnomAD exomes 0.00012 and 0.00023; ESP Exome Variant Server 0.00015; TOPMed 0.00015; gnomAD 0.00019 and 0.00020.
gnomAD v4.1: 374 of 1,613,286 alleles (0.023%); highest among the groups gnomAD compares: Non-Finnish European, 0.029%; no homozygotes.

Submissions (8):

Labcorp Genetics (formerly Invitae), Labcorp
Classification: Likely benign for Familial adenomatous polyposis 2. Last evaluated: 2026-01-28. Review status: criteria provided, single submitter. Criteria: Invitae Variant Classification Sherloc (09022015). Collection method: clinical testing. Allele origin: germline.

ARUP Laboratories, Molecular Genetics and Genomics, ARUP Laboratories
Classification: Likely benign. Last evaluated: 2025-05-08. Review status: criteria provided, single submitter. Criteria: ARUP Molecular Germline Variant Investigation Process 2024. Collection method: clinical testing. Allele origin: germline.

Center for Genomic Medicine, Rigshospitalet, Copenhagen University Hospital
Classification: Likely benign. Last evaluated: 2025-03-04. Review status: criteria provided, single submitter. Criteria: ACMG Guidelines, 2015. Collection method: clinical testing. Allele origin: germline.

Blueprint Genetics
Classification: Likely benign. Last evaluated: 2024-01-11. Review status: criteria provided, single submitter. Criteria: ACMG Guidelines, 2015. Collection method: clinical testing. Allele origin: germline.

PreventionGenetics, part of Exact Sciences
Classification: Likely benign. Last evaluated: 2017-05-22. Review status: criteria provided, single submitter. Criteria: ACMG Guidelines, 2015. Collection method: clinical testing. Allele origin: germline.

Color Diagnostics, LLC DBA Color Health
Classification: Likely benign for Hereditary cancer-predisposing syndrome. Last evaluated: 2016-12-08. Review status: criteria provided, single submitter. Criteria: ACMG Guidelines, 2015. Collection method: clinical testing. Allele origin: germline.

Ambry Genetics
Classification: Likely benign for Hereditary cancer-predisposing syndrome. Last evaluated: 2015-10-15. Review status: criteria provided, single submitter. Criteria: Ambry Variant Classification Scheme 2023. Collection method: clinical testing. Allele origin: germline.

GeneDx
Classification: Benign. Last evaluated: 2014-07-13. Review status: criteria provided, single submitter. Criteria: GeneDx Variant Classification (06012015). Collection method: clinical testing. Allele origin: germline. Affected: yes.
Comment: This variant is considered likely benign or benign based on one or more of the following criteria: it is a conservative change, it occurs at a poorly conserved position in the protein, it is predicted to be benign by multiple in silico algorithms, and/or has population frequency not consistent with disease.

NM_001048174.2(MUTYH):c.1102+17C>T

Gene: MUTYH (mutY DNA glycosylase; minus strand). Cytogenetic location: 1p34.1.
Variant type: single nucleotide variant.
Coding change: c.1102+17C>T on transcript NM_001048174.2 (MANE Select); 17 bases into the intron after coding-DNA position 1102, C replaced by T.
Molecular consequence: intron variant.
Genome position (GRCh38, 1-based): chr1:45,331,644, G>A on the plus strand (C>T on the coding strand, the complement: MUTYH is on the minus strand). VCF-style: chr1-45331644-G-A. GRCh37 (hg19) VCF-style: chr1-45797316-G-A.
Other names: c.757+17C>T (NM_001350651.2, NM_001350650.2); c.826+17C>T (NM_001293192.2, NM_001293196.2); c.1102+17C>T (NM_001048171.2, NM_001048173.2, NM_001293195.2); c.1147+17C>T (NM_001293190.2); c.1177+17C>T (NM_012222.3); c.1186+17C>T (NM_001128425.2); c.1105+17C>T (NM_001048172.2); c.1135+17C>T (NM_001293191.2).
Identifiers: ClinVar variation 182700 (VCV000182700.22), dbSNP rs369034810, ClinGen allele CA012216.